The following is an entry in ClinVar:

ClinVar aggregate classification (germline): Uncertain significance. Review status: criteria provided, multiple submitters, no conflicts (2 of 4 stars). 7 submissions from 7 submitters: Uncertain significance (7). Last evaluated 2026-01-22.

Conditions:
POMGNT2-related disorder. Also called: POMGNT2-related condition.
Inborn genetic diseases. Identifiers: MedGen C0950123, MeSH D030342.
Muscular dystrophy-dystroglycanopathy (congenital with brain and eye anomalies), type a, 8 (MDDGA8). Also called: WALKER-WARBURG SYNDROME OR MUSCLE-EYE-BRAIN DISEASE, GTDC2-RELATED. Identifiers: Orphanet 899, MedGen C3553813, MONDO:0013904, OMIM 614830.

Allele frequency attached by ClinVar (database versions not stated): ExAC 0.00021; gnomAD exomes 0.00022 and 0.00025; TOPMed 0.00022; gnomAD 0.00023; ESP Exome Variant Server 0.00046.
gnomAD v4.1: 395 of 1,608,882 alleles (0.025%); highest among the groups gnomAD compares: Middle Eastern, 0.083%; no homozygotes.

Submissions (7):

Labcorp Genetics (formerly Invitae), Labcorp
Classification: Uncertain significance for Muscular dystrophy-dystroglycanopathy (congenital with brain and eye anomalies), type a, 8. Last evaluated: 2026-01-22. Review status: criteria provided, single submitter. Criteria: Invitae Variant Classification Sherloc (09022015). Collection method: clinical testing. Allele origin: germline.
Comment: This sequence change replaces arginine, which is basic and polar, with histidine, which is basic and polar, at codon 26 of the POMGNT2 protein (p.Arg26His). This variant is present in population databases (rs143667339, gnomAD 0.04%). This variant has not been reported in the literature in individuals affected with POMGNT2-related conditions. ClinVar contains an entry for this variant (Variation ID: 393196). Invitae Evidence Modeling of protein sequence and biophysical properties (such as structural, functional, and spatial information, amino acid conservation, physicochemical variation, residue mobility, and thermodynamic stability) indicates that this missense variant is not expected to disrupt POMGNT2 protein function with a negative predictive value of 80%. In summary, the available evidence is currently insufficient to determine the role of this variant in disease. Therefore, it has been classified as a Variant of Uncertain Significance.

PreventionGenetics, part of Exact Sciences
Classification: Uncertain significance for POMGNT2-related condition. Last evaluated: 2025-09-15. Review status: criteria provided, single submitter. Criteria: ACMG Guidelines, 2015. Collection method: clinical testing. Allele origin: germline.
Comment: The POMGNT2 c.77G>A variant is predicted to result in the amino acid substitution p.Arg26His. To our knowledge, this variant has not been reported in the literature. This variant is reported in 0.042% of alleles in individuals of European (Non-Finnish) descent in gnomAD. At this time, the clinical significance of this variant is uncertain due to the absence of conclusive functional and genetic evidence.

Revvity Omics, Revvity
Classification: Uncertain significance. Last evaluated: 2025-04-24. Review status: criteria provided, single submitter. Criteria: ACMG Guidelines, 2015. Collection method: clinical testing. Allele origin: germline.

Blueprint Genetics
Classification: Uncertain significance. Last evaluated: 2024-11-05. Review status: criteria provided, single submitter. Criteria: ACMG Guidelines, 2015. Collection method: clinical testing. Allele origin: germline.

GeneDx
Classification: Uncertain significance. Last evaluated: 2023-07-25. Review status: criteria provided, single submitter. Criteria: GeneDx Variant Classification Process June 2021. Collection method: clinical testing. Allele origin: germline. Affected: yes.
Comment: In silico analysis supports that this missense variant does not alter protein structure/function; Has not been previously published as pathogenic or benign to our knowledge

Ambry Genetics
Classification: Uncertain significance for Inborn genetic diseases. Last evaluated: 2021-09-27. Review status: criteria provided, single submitter. Criteria: Ambry Variant Classification Scheme 2023. Collection method: clinical testing. Allele origin: germline.

Baylor Genetics
Classification: Uncertain significance for Muscular dystrophy-dystroglycanopathy (congenital with brain and eye anomalies), type a, 8. Last evaluated: 2019-08-29. Review status: criteria provided, single submitter. Criteria: ACMG Guidelines, 2015. Collection method: clinical testing. Allele origin: unknown. Affected: yes.
Comment: This variant was determined to be of uncertain significance according to ACMG Guidelines, 2015 [PMID:25741868].

NM_032806.6(POMGNT2):c.77G>A (p.Arg26His)

Gene: POMGNT2 (protein O-linked mannose N-acetylglucosaminyltransferase 2 (beta 1,4-); minus strand). Cytogenetic location: 3p22.1.
Variant type: single nucleotide variant.
Coding change: c.77G>A on transcript NM_032806.6 (MANE Select); coding-DNA position 77, G replaced by A.
Protein change: p.Arg26His; replaces arginine 26 with histidine.
Molecular consequence: missense variant.
Genome position (GRCh38, 1-based): chr3:43,081,355, C>T on the plus strand (G>A on the coding strand, the complement: POMGNT2 is on the minus strand). VCF-style: chr3-43081355-C-T. GRCh37 (hg19) VCF-style: chr3-43122847-C-T.
Other names: c.77G>A (NM_032806.4); short protein forms R26H.
Identifiers: ClinVar variation 393196 (VCV000393196.17), dbSNP rs143667339, ClinGen allele CA2340159.